The following is an entry in ClinVar:

ClinVar aggregate classification (germline): Uncertain significance (1 of 4 stars; one submission).

Submission:

Labcorp Genetics (formerly Invitae), Labcorp
Classification: Uncertain significance. Last evaluated: 2024-07-01. Review status: criteria provided, single submitter. Criteria: Invitae Variant Classification Sherloc (09022015). Collection method: clinical testing. Allele origin: germline.
Comment: This sequence change creates a premature translational stop signal (p.His199Profs*50) in the CARD8 gene. It is expected to result in an absent or disrupted protein product. However, the current clinical and genetic evidence is not sufficient to establish whether loss-of-function variants in CARD8 cause disease. This variant is not present in population databases (gnomAD no frequency). This variant has not been reported in the literature in individuals affected with CARD8-related conditions. In summary, the available evidence is currently insufficient to determine the role of this variant in disease. Therefore, it has been classified as a Variant of Uncertain Significance.

NM_001184900.3(CARD8):c.746del (p.His249fs)

Gene: CARD8 (caspase recruitment domain family member 8; minus strand). Cytogenetic location: 19q13.33.
Variant type: Deletion.
Coding change: c.746del on transcript NM_001184900.3 (MANE Select); coding-DNA position 746, one base deleted (A; older notation c.746delA).
Protein change: p.His249fs; shifts the reading frame from histidine 249.
Molecular consequence: frameshift variant. On other transcripts: non-coding transcript variant (4).
Genome position (GRCh38, 1-based): chr19:48,230,803, T deleted on the plus strand (A on the coding strand, the reverse complement: CARD8 is on the minus strand). VCF-style (leftmost placement, unchanged base first): chr19-48230802-GT-G. GRCh37 (hg19) VCF-style: chr19-48734059-GT-G.
Other names: c.410del, p.His137fs (NM_001351786.2); c.431del, p.His144fs (NM_001351787.2, NM_001351791.2, NM_001351792.2 and 2 more transcripts); c.596del, p.His199fs (NM_001351788.2, NM_001351789.2, NM_014959.5 and 2 more transcripts); c.503del, p.His168fs (NM_001351790.2); c.746del, p.His249fs (NM_001184902.2, NM_001184903.1, NM_001351782.2); short protein forms H168fs, H199fs, H137fs, H144fs, H249fs.
Identifiers: ClinVar variation 3658481 (VCV003658481.2).